The following is an entry in ClinVar:

ClinVar aggregate classification (germline): Uncertain significance (1 of 4 stars; one submission).

Allele frequency attached by ClinVar (database versions not stated): gnomAD exomes below 0.00001; ExAC 0.00001.
gnomAD v4.1: 1 of 1,603,778 alleles (0.000062%); highest among the groups gnomAD compares: Non-Finnish European, 0.000085%; no homozygotes.

Submission:

GeneDx
Classification: Uncertain significance. Last evaluated: 2023-03-15. Review status: criteria provided, single submitter. Criteria: GeneDx Variant Classification Process June 2021. Collection method: clinical testing. Allele origin: germline. Affected: yes.
Comment: Not observed at significant frequency in large population cohorts (gnomAD); In silico analysis supports that this missense variant does not alter protein structure/function; Has not been previously published as pathogenic or benign to our knowledge

NM_016239.4(MYO15A):c.9983G>C (p.Ser3328Thr)

Gene: MYO15A (myosin XVA; plus strand). Cytogenetic location: 17p11.2.
Variant type: single nucleotide variant.
Coding change: c.9983G>C on transcript NM_016239.4 (MANE Select); coding-DNA position 9983, G replaced by C.
Protein change: p.Ser3328Thr; replaces serine 3328 with threonine.
Molecular consequence: missense variant.
Genome position (GRCh38, 1-based): chr17:18,167,624, G>C. VCF-style: chr17-18167624-G-C. GRCh37 (hg19) VCF-style: chr17-18070938-G-C.
Other names: short protein forms S3328T.
Identifiers: ClinVar variation 2580064 (VCV002580064.1), dbSNP rs777443452, ClinGen allele CA8425760.